The following is an entry in ClinVar:

ClinVar aggregate classification (germline): Likely benign (1 of 4 stars; one submission).

gnomAD v4.1: 15 of 1,610,778 alleles (0.00093%); highest among the groups gnomAD compares: Non-Finnish European, 0.0013%; no homozygotes.

Submission:

CeGaT Center for Human Genetics Tuebingen
Classification: Likely benign. Last evaluated: 2024-11-01. Review status: criteria provided, single submitter. Criteria: CeGaT Center For Human Genetics Tuebingen Variant Classification Criteria Version 2. Collection method: clinical testing. Allele origin: germline. Affected: yes. Observed: 1 variant allele.
Comment: NALCN: BP4

NM_052867.4(NALCN):c.4122G>C (p.Ser1374=)

Gene: NALCN (sodium leak channel, non-selective; minus strand). Cytogenetic location: 13q32.3.
Variant type: single nucleotide variant.
Coding change: c.4122G>C on transcript NM_052867.4 (MANE Select); coding-DNA position 4122, G replaced by C.
Protein change: p.Ser1374=; no amino-acid change (serine 1374 retained).
Molecular consequence: synonymous variant.
Genome position (GRCh38, 1-based): chr13:101,073,659, C>G on the plus strand (G>C on the coding strand, the complement: NALCN is on the minus strand). VCF-style: chr13-101073659-C-G. GRCh37 (hg19) VCF-style: chr13-101726011-C-G.
Other names: c.4209G>C, p.Ser1403= (NM_001350748.2); c.4122G>C, p.Ser1374= (NM_001350749.2); c.4035G>C, p.Ser1345= (NM_001350750.2, NM_001350751.2).
Identifiers: ClinVar variation 3388919 (VCV003388919.14).